The following is an entry in ClinVar:

ClinVar aggregate classification (germline): Uncertain significance (1 of 4 stars; one submission).

Allele frequency attached by ClinVar (database versions not stated): TOPMed below 0.00001.
gnomAD v4.1: 10 of 1,610,436 alleles (0.00062%); highest among the groups gnomAD compares: Non-Finnish European, 0.00085%; no homozygotes.

Submission:

GeneDx
Classification: Uncertain significance. Last evaluated: 2022-10-03. Review status: criteria provided, single submitter. Criteria: GeneDx Variant Classification Process June 2021. Collection method: clinical testing. Allele origin: germline. Affected: yes.
Comment: Not observed at significant frequency in large population cohorts (gnomAD); In silico analysis supports that this missense variant has a deleterious effect on protein structure/function; Has not been previously published as pathogenic or benign to our knowledge

NM_005215.4(DCC):c.1117C>T (p.Pro373Ser)

Gene: DCC (DCC netrin 1 receptor; plus strand). Cytogenetic location: 18q21.2.
Variant type: single nucleotide variant.
Coding change: c.1117C>T on transcript NM_005215.4 (MANE Select); coding-DNA position 1117, C replaced by T.
Protein change: p.Pro373Ser; replaces proline 373 with serine.
Molecular consequence: missense variant.
Genome position (GRCh38, 1-based): chr18:53,063,436, C>T. VCF-style: chr18-53063436-C-T. GRCh37 (hg19) VCF-style: chr18-50589806-C-T.
Other names: short protein forms P373S.
Identifiers: ClinVar variation 2446590 (VCV002446590.1), dbSNP rs925711337, ClinGen allele CA300679150.